The following is an entry in ClinVar:

ClinVar aggregate classification (germline): Pathogenic/Likely pathogenic. Review status: criteria provided, multiple submitters, no conflicts (2 of 4 stars). 2 submissions from 2 submitters: Pathogenic (1); Likely pathogenic (1). Last evaluated 2026-03-19.

Conditions:
Mitochondrial DNA depletion syndrome 1. Also called: POLIP SYNDROME; POLYNEUROPATHY, OPHTHALMOPLEGIA, LEUKOENCEPHALOPATHY, AND INTESTINAL PSEUDOOBSTRUCTION; Mitochondrial neurogastrointestinal encephalomyopathy syndrome; Mitochondrial Neurogastrointestinal Encephalopathy Disease; MITOCHONDRIAL NEUROGASTROINTESTINAL ENCEPHALOPATHY SYNDROME, TYMP-RELATED; MNGIE, TYMP-RELATED. Identifiers: Orphanet 298, MedGen C4551995, MONDO:0011283, OMIM 603041.

Submissions (2):

Myriad Genetics, Inc.
Classification: Pathogenic for Mitochondrial DNA depletion syndrome 1. Last evaluated: 2026-03-19. Review status: criteria provided, single submitter. Criteria: Myriad Autosomal Dominant, Autosomal Recessive and X-Linked Classification Criteria (2023). Collection method: clinical testing. Allele origin: unknown.
Comment: NM_001953.4(TYMP):c.536_539dupAGGC(C182Gfs*9) is expected to be pathogenic in the context of mitochondrial neurogastrointestinal encephalopathy disease. This variant is predicted to lead to an abnormal or absent protein product due to the creation of a premature termination codon in TYMP, a gene where loss-of-function variants are known to be pathogenic. Please note: this variant was assessed in the context of healthy population screening.

Baylor Genetics
Classification: Likely pathogenic for Mitochondrial DNA depletion syndrome 1. Last evaluated: 2022-07-27. Review status: criteria provided, single submitter. Criteria: ACMG Guidelines, 2015. Collection method: clinical testing. Allele origin: unknown.

NM_001953.5(TYMP):c.536_539dup (p.Cys182fs)

Gene: TYMP (thymidine phosphorylase; minus strand). Cytogenetic location: 22q13.33.
Variant type: Duplication.
Coding change: c.536_539dup on transcript NM_001953.5 (MANE Select); coding-DNA positions 536 to 539, 4 bases duplicated (AGGC; older notation c.536_539dupAGGC).
Protein change: p.Cys182fs; shifts the reading frame from cysteine 182.
Molecular consequence: frameshift variant.
Genome position (GRCh38, 1-based): chr22:50,527,695-50,527,698, GCCT duplicated on the plus strand (AGGC on the coding strand, the reverse complement: TYMP is on the minus strand); duplicating any 4 consecutive bases within chr22:50,527,695-50,527,699 gives the same sequence; the c. name uses the placement nearest the transcript's 3' end. VCF-style (leftmost placement, unchanged base first): chr22-50527694-C-CGCCT. GRCh37 (hg19) VCF-style: chr22-50966123-C-CGCCT.
Other names: c.536_539dup, p.Cys182fs (NM_001113755.3, NM_001113756.3, NM_001257988.1 and 1 more transcripts); short protein forms C182fs.
Identifiers: ClinVar variation 2679399 (VCV002679399.2), dbSNP rs2522531128, ClinGen allele CA2695200133.